The following is an entry in ClinVar:

ClinVar aggregate classification (germline): Conflicting classifications of pathogenicity. Review status: criteria provided, conflicting classifications (1 of 4 stars). 2 submissions from 2 submitters: Uncertain significance (1); Likely benign (1). Last evaluated 2025-01-31.

Conditions:
Hereditary cancer-predisposing syndrome. Also called: Neoplastic Syndromes, Hereditary; Tumor predisposition; Hereditary neoplastic syndrome; Hereditary Cancer Syndrome. Identifiers: Orphanet 140162, MedGen C0027672, MeSH D009386, MONDO:0015356.
Lynch syndrome 4 (LYNCH4). Also called: Colorectal cancer, hereditary nonpolyposis, type 4; Hereditary non-polyposis colorectal cancer, type 4. Identifiers: Orphanet 144, MedGen C1838333, MONDO:0013699, OMIM 614337. Disease mechanism: loss of function.

Submissions (2):

Myriad Genetics, Inc.
Classification: Likely benign for Lynch syndrome 4. Last evaluated: 2025-01-31. Review status: criteria provided, single submitter. Criteria: Myriad Autosomal Dominant, Autosomal Recessive and X-Linked Classification Criteria (2023). Collection method: clinical testing. Allele origin: unknown.
Comment: This variant is considered likely benign. This variant has been observed in trans with a known pathogenic variant in one or more individuals lacking clinical features consistent with gene-specific recessive disease.

Ambry Genetics
Classification: Uncertain significance for Hereditary cancer-predisposing syndrome. Last evaluated: 2024-02-02. Review status: criteria provided, single submitter. Criteria: Ambry Variant Classification Scheme 2023. Collection method: clinical testing. Allele origin: germline.
Comment: The p.Q643H variant (also known as c.1929G>C), located in coding exon 11 of the PMS2 gene, results from a G to C substitution at nucleotide position 1929. The glutamine at codon 643 is replaced by histidine, an amino acid with highly similar properties. This amino acid position is conserved. In addition, this alteration is predicted to be tolerated by in silico analysis. Based on the available evidence, the clinical significance of this alteration remains unclear.

NM_000535.7(PMS2):c.1929G>C (p.Gln643His)

Gene: PMS2 (PMS1 homolog 2, mismatch repair system component; minus strand). Cytogenetic location: 7p22.1.
Variant type: single nucleotide variant.
Coding change: c.1929G>C on transcript NM_000535.7 (MANE Select); coding-DNA position 1929, G replaced by C.
Protein change: p.Gln643His; replaces glutamine 643 with histidine.
Molecular consequence: missense variant. On other transcripts: non-coding transcript variant (1), intron variant (1).
Genome position (GRCh38, 1-based): chr7:5,986,836, C>G on the plus strand (G>C on the coding strand, the complement: PMS2 is on the minus strand). VCF-style: chr7-5986836-C-G. GRCh37 (hg19) VCF-style: chr7-6026467-C-G.
Other names: c.1524G>C, p.Gln508His (NM_001018040.1, NM_001322003.2, NM_001322004.2 and 17 more transcripts); c.1773G>C, p.Gln591His (NM_001322006.2, NM_001406870.1); c.1611G>C, p.Gln537His (NM_001322007.2, NM_001322008.2, NM_001406876.1 and 2 more transcripts); c.1368G>C, p.Gln456His (NM_001322010.2, NM_001406906.1, NM_001406907.1); c.996G>C, p.Gln332His (NM_001322011.2, NM_001322012.2); c.1356G>C, p.Gln452His (NM_001322013.2, NM_001406909.1); c.1929G>C, p.Gln643His (NM_001322014.2, NM_001406871.1, NM_001406872.1); c.1620G>C, p.Gln540His (NM_001322015.2, NM_001406875.1, NM_001406877.1 and 5 more transcripts); and 13 more; short protein forms Q332H, Q386H, Q452H, Q456H, Q472H, Q485H, Q488H, Q508H.
Identifiers: ClinVar variation 3231993 (VCV003231993.2), dbSNP rs786203379, ClinGen allele CA366739206.